The following is an entry in ClinVar:

ClinVar aggregate classification (germline): Uncertain significance (1 of 4 stars; one submission).

Submission:

CeGaT Center for Human Genetics Tuebingen
Classification: Uncertain significance. Last evaluated: 2025-11-01. Review status: criteria provided, single submitter. Criteria: CeGaT Center For Human Genetics Tuebingen Variant Classification Criteria Version 2. Collection method: clinical testing. Allele origin: germline. Affected: yes. Observed: 1 variant allele.
Comment: SMARCD1: PM2

NM_003076.5(SMARCD1):c.1117A>G (p.Ile373Val)

Gene: SMARCD1 (SWI/SNF related BAF chromatin remodeling complex subunit D1; plus strand). Cytogenetic location: 12q13.12.
Variant type: single nucleotide variant.
Coding change: c.1117A>G on transcript NM_003076.5 (MANE Select); coding-DNA position 1117, A replaced by G.
Protein change: p.Ile373Val; replaces isoleucine 373 with valine.
Molecular consequence: missense variant.
Genome position (GRCh38, 1-based): chr12:50,090,574, A>G. VCF-style: chr12-50090574-A-G. GRCh37 (hg19) VCF-style: chr12-50484357-A-G.
Other names: c.1117A>G, p.Ile373Val (NM_139071.3); short protein forms I373V.
Identifiers: ClinVar variation 4535404 (VCV004535404.6).